The following is an entry in ClinVar:

NM_017934.7(PHIP):c.99+5G>A

Gene: PHIP (PHIP subunit of CUL4-Ring ligase complex; minus strand). Cytogenetic location: 6q14.1.
Variant type: single nucleotide variant.
Coding change: c.99+5G>A on transcript NM_017934.7 (MANE Select); 5 bases into the intron after coding-DNA position 99, G replaced by A.
Molecular consequence: intron variant.
Genome position (GRCh38, 1-based): chr6:79,077,850, C>T on the plus strand (G>A on the coding strand, the complement: PHIP is on the minus strand). VCF-style: chr6-79077850-C-T. GRCh37 (hg19) VCF-style: chr6-79787567-C-T.
Identifiers: ClinVar variation 4984848 (VCV004984848.1).

ClinVar aggregate classification (germline): Likely benign (1 of 4 stars; one submission).

Conditions:
PHIP-related disorder. Also called: PHIP-related disorders; PHIP-related condition.

gnomAD v4.1: 13 of 1,499,108 alleles (0.00087%); highest among the groups gnomAD compares: African/African-American, 0.0015%; no homozygotes.

Submission:

PreventionGenetics, part of Exact Sciences
Classification: Likely benign for PHIP-related condition. Last evaluated: 2025-12-15. Review status: criteria provided, single submitter. Criteria: ACMG Guidelines, 2015. Collection method: clinical testing. Allele origin: germline.
Comment: This variant is classified as likely benign based on ACMG/AMP sequence variant interpretation guidelines (Richards et al. 2015 PMID: 25741868, with internal and published modifications).